The following is an entry in ClinVar:

ClinVar aggregate classification (germline): Uncertain significance. Review status: criteria provided, multiple submitters, no conflicts (2 of 4 stars). 2 submissions from 2 submitters: Uncertain significance (2). Last evaluated 2022-02-03.

Allele frequency attached by ClinVar (database versions not stated): gnomAD exomes 0.00001 and 0.00002; ExAC 0.00002; TOPMed 0.00008; gnomAD 0.00009; 1000 Genomes Project 30x 0.00016; 1000 Genomes Project 0.00020.
gnomAD v4.1: 24 of 1,614,100 alleles (0.0015%); highest among the groups gnomAD compares: African/African-American, 0.029%; 1 homozygote.

Submissions (2):

Labcorp Genetics (formerly Invitae), Labcorp
Classification: Uncertain significance. Last evaluated: 2022-02-03. Review status: criteria provided, single submitter. Criteria: Invitae Variant Classification Sherloc (09022015). Collection method: clinical testing. Allele origin: germline.
Comment: This variant has not been reported in the literature in individuals affected with MTMR14-related conditions. This variant is present in population databases (rs554193454, gnomAD 0.03%). This sequence change replaces valine, which is neutral and non-polar, with isoleucine, which is neutral and non-polar, at codon 328 of the MTMR14 protein (p.Val328Ile). In summary, the available evidence is currently insufficient to determine the role of this variant in disease. Therefore, it has been classified as a Variant of Uncertain Significance. Algorithms developed to predict the effect of missense changes on protein structure and function are either unavailable or do not agree on the potential impact of this missense change (SIFT: "Tolerated"; PolyPhen-2: "Probably Damaging"; Align-GVGD: "Class C0").

Revvity Omics, Revvity
Classification: Uncertain significance. Last evaluated: 2019-06-27. Review status: criteria provided, single submitter. Criteria: ACMG Guidelines, 2015. Collection method: clinical testing. Allele origin: germline.

NM_001077525.3(MTMR14):c.982G>A (p.Val328Ile)

Gene: MTMR14 (myotubularin related protein 14; plus strand). Cytogenetic location: 3p25.3.
Variant type: single nucleotide variant.
Coding change: c.982G>A on transcript NM_001077525.3 (MANE Select); coding-DNA position 982, G replaced by A.
Protein change: p.Val328Ile; replaces valine 328 with isoleucine.
Molecular consequence: missense variant.
Genome position (GRCh38, 1-based): chr3:9,684,602, G>A. VCF-style: chr3-9684602-G-A. GRCh37 (hg19) VCF-style: chr3-9726286-G-A.
Other names: c.982G>A, p.Val328Ile (NM_001077526.3, NM_022485.5); c.982G>A (NM_022485.4); short protein forms V328I.
Identifiers: ClinVar variation 1488198 (VCV001488198.10), dbSNP rs554193454, ClinGen allele CA2240557.